The following is an entry in ClinVar:

NM_001134407.3(GRIN2A):c.2084G>A (p.Arg695Gln)

Gene: GRIN2A (glutamate ionotropic receptor NMDA type subunit 2A; minus strand). Cytogenetic location: 16p13.2.
Variant type: single nucleotide variant.
Coding change: c.2084G>A on transcript NM_001134407.3 (MANE Select); coding-DNA position 2084, G replaced by A.
Protein change: p.Arg695Gln; replaces arginine 695 with glutamine.
Molecular consequence: missense variant.
Genome position (GRCh38, 1-based): chr16:9,822,348, C>T on the plus strand (G>A on the coding strand, the complement: GRIN2A is on the minus strand). VCF-style: chr16-9822348-C-T. GRCh37 (hg19) VCF-style: chr16-9916205-C-T.
Other names: c.2084G>A, p.Arg695Gln (NM_000833.5, NM_001134408.2); short protein forms R695Q.
Identifiers: ClinVar variation 205689 (VCV000205689.7), dbSNP rs1555491654, ClinGen allele CA315009.
Genomic context (GRCh38, chr16:9,822,348, plus strand): 5'-TCCTCTACTCCTTTCTGATTAAATTTGGTCATGTACTGATGCATGTAGGGATAGTTATTC[C>T]GAATGTTTCTCTCCGTGCTTCCATTAGGCACTGTCCCAAATCGAAAAGGTGGGGAATAGT-3'
Protein context (NP_001127879.1, residues 685-705): VPNGSTERNI[Arg695Gln]NNYPYMHQYM

ClinVar aggregate classification (germline): Pathogenic/Likely pathogenic. Review status: criteria provided, multiple submitters, no conflicts (2 of 4 stars). 4 submissions from 4 submitters: Pathogenic (2); Likely pathogenic (2). Last evaluated 2023-03-20.

Conditions:
Neurodevelopmental disorder. Identifiers: MedGen C1535926, MeSH D065886, MONDO:0700092.
GRIN2A-Related Disorders. Identifiers: MedGen CN381066.
Landau-Kleffner syndrome (FESD). Also called: APHASIA, ACQUIRED, WITH EPILEPSY; EPILEPSY, FOCAL, WITH SPEECH DISORDER AND WITH OR WITHOUT MENTAL RETARDATION. Identifiers: Orphanet 1945, Orphanet 725, Orphanet 98818, MedGen C0282512, MONDO:0009509, OMIM 245570.

Submissions (4):

Institute of Human Genetics, University of Leipzig Medical Center
Classification: Pathogenic for Landau-Kleffner syndrome. Last evaluated: 2023-03-20. Review status: criteria provided, single submitter. Criteria: ACMG Guidelines, 2015. Collection method: clinical testing. Allele origin: de novo. Affected: yes.
Comment: This variant was identified as de novo (maternity and paternity confirmed)._x000D_ Criteria applied: PS2, PS3_MOD, PS4_MOD, PM1_SUP, PM2_SUP

3billion
Classification: Pathogenic for Landau-Kleffner syndrome. Last evaluated: 2023-02-23. Review status: criteria provided, single submitter. Criteria: ACMG Guidelines, 2015. Collection method: clinical testing. Allele origin: unknown. Affected: yes.
Comment: The variant is not observed in the gnomAD v2.1.1 dataset. Same nucleotide change resulting in same amino acid change has been previously reported as pathogenic/likely pathogenic with strong evidence (ClinVar ID: VCV000205689). The variant has been previously reported as de novo in a similarly affected individual (PMID: 30544257). Therefore, this variant is classified as Pathogenic according to the recommendation of ACMG/AMP guideline.

Blueprint Genetics
Classification: Likely pathogenic for GRIN2A-related disorders. Last evaluated: 2022-10-27. Review status: criteria provided, single submitter. Criteria: ACMG Guidelines, 2015. Collection method: clinical testing. Allele origin: germline. Affected: yes. Observed: 1 variant allele.

Laboratory of Molecular Genetics (Pr. Bezieau's lab), CHU de Nantes
Classification: Likely pathogenic for Neurodevelopmental disorder. Last evaluated: 2021-09-13. Review status: criteria provided, single submitter. Criteria: ACMG Guidelines, 2015. Collection method: clinical testing. Allele origin: germline. Affected: yes.

Literature cited by the submitters: PubMed 30544257 (cited by 3billion).